The following is an entry in ClinVar:

ClinVar aggregate classification (germline): Likely benign. Review status: criteria provided, multiple submitters, no conflicts (2 of 4 stars). 7 submissions from 7 submitters: Likely benign (6). 1 of the submissions does not count toward it. Last evaluated 2026-01-13.

Conditions:
Cardiovascular phenotype. Identifiers: MedGen CN230736.
TCAP-related disorder. Also called: TCAP-related condition.
Primary familial hypertrophic cardiomyopathy (HCM). Identifiers: Orphanet 99739, MedGen C0949658, MeSH D024741, MONDO:0024573. Inheritance: Various modes of inheritance.
Hypertrophic cardiomyopathy 25 (CMH25). Also called: CARDIOMYOPATHY, FAMILIAL HYPERTROPHIC, 25. Identifiers: MedGen C4225408, MONDO:0011843, OMIM 607487.

Allele frequency attached by ClinVar (database versions not stated): gnomAD 0.00003; gnomAD exomes 0.00004 and 0.00006; TOPMed 0.00004; ExAC 0.00005; ESP Exome Variant Server 0.00015.
gnomAD v4.1: 65 of 1,611,036 alleles (0.004%); highest among the groups gnomAD compares: Non-Finnish European, 0.0053%; no homozygotes.

Submissions (7):

Labcorp Genetics (formerly Invitae), Labcorp
Classification: Likely benign for Hypertrophic cardiomyopathy 25; Primary familial hypertrophic cardiomyopathy. Last evaluated: 2026-01-13. Review status: criteria provided, single submitter. Criteria: Invitae Variant Classification Sherloc (09022015). Collection method: clinical testing. Allele origin: germline.

Blueprint Genetics
Classification: Likely benign. Last evaluated: 2023-12-14. Review status: criteria provided, single submitter. Criteria: ACMG Guidelines, 2015. Collection method: clinical testing. Allele origin: germline.

CeGaT Center for Human Genetics Tuebingen
Classification: Likely benign. Last evaluated: 2022-09-01. Review status: criteria provided, single submitter. Criteria: CeGaT Center For Human Genetics Tuebingen Variant Classification Criteria Version 2. Collection method: clinical testing. Allele origin: germline. Affected: yes. Observed: 1 variant allele.
Comment: TCAP: BP4, BP7

GeneDx
Classification: Likely benign. Last evaluated: 2019-10-28. Review status: criteria provided, single submitter. Criteria: GeneDx Variant Classification Process June 2021. Collection method: clinical testing. Allele origin: germline. Affected: yes.

Ambry Genetics
Classification: Likely benign for Cardiovascular phenotype. Last evaluated: 2016-12-02. Review status: criteria provided, single submitter. Criteria: Ambry Variant Classification Scheme 2023. Collection method: clinical testing. Allele origin: germline.

Breakthrough Genomics
Classification: Likely benign. Review status: criteria provided, single submitter. Criteria: ACMG Guidelines, 2015. Collection method: not provided. Allele origin: germline. Inheritance: Autosomal recessive inheritance. Affected: yes.

PreventionGenetics, part of Exact Sciences
Classification: Likely benign for TCAP-related condition. Last evaluated: 2020-08-25. Review status: no assertion criteria provided. Collection method: clinical testing. Allele origin: germline. Not counted in ClinVar's aggregate classification.
Comment: This variant is classified as likely benign based on ACMG/AMP sequence variant interpretation guidelines (Richards et al. 2015 PMID: 25741868, with internal and published modifications).

NM_003673.4(TCAP):c.261G>T (p.Arg87=)

Gene: TCAP (titin-cap; plus strand). Cytogenetic location: 17q12.
Variant type: single nucleotide variant.
Coding change: c.261G>T on transcript NM_003673.4 (MANE Select); coding-DNA position 261, G replaced by T.
Protein change: p.Arg87=; no amino-acid change (arginine 87 retained).
Molecular consequence: synonymous variant.
Genome position (GRCh38, 1-based): chr17:39,665,866, G>T. VCF-style: chr17-39665866-G-T. GRCh37 (hg19) VCF-style: chr17-37822119-G-T.
Identifiers: ClinVar variation 518961 (VCV000518961.45), dbSNP rs375389509, ClinGen allele CA8532884.
Genomic context (GRCh38, chr17:39,665,866, plus strand): 5'-GATGATGCGGATGGGCATCCTCGGCCGTGGGCTGCAGGAGTACCAGCTGCCCTACCAGCG[G>T]GTACTGCCGCTGCCCATCTTCACCCCTGCCAAGATGGGCGCCACCAAGGAGGAGCGTGAG-3'
Protein context (NP_003664.1, residues 77-97): GLQEYQLPYQ[Arg87=]VLPLPIFTPA